The following is an entry in ClinVar:

NM_172107.4(KCNQ2):c.2309A>G (p.Asp770Gly)

Gene: KCNQ2 (potassium voltage-gated channel subfamily Q member 2; minus strand). Cytogenetic location: 20q13.33.
Variant type: single nucleotide variant.
Coding change: c.2309A>G on transcript NM_172107.4 (MANE Select); coding-DNA position 2309, A replaced by G.
Protein change: p.Asp770Gly; replaces aspartic acid 770 with glycine.
Molecular consequence: missense variant.
Genome position (GRCh38, 1-based): chr20:63,406,954, T>C on the plus strand (A>G on the coding strand, the complement: KCNQ2 is on the minus strand). VCF-style: chr20-63406954-T-C. GRCh37 (hg19) VCF-style: chr20-62038307-T-C.
Other names: c.2363A>G, p.Asp788Gly (NM_001382235.1); c.2225A>G, p.Asp742Gly (NM_004518.6); c.2255A>G, p.Asp752Gly (NM_172106.3); c.2216A>G, p.Asp739Gly (NM_172108.5); short protein forms D739G, D752G, D770G, D788G, D742G.
Identifiers: ClinVar variation 3673388 (VCV003673388.2).
Genomic context (GRCh38, chr20:63,406,954, plus strand): 5'-ATGGAGATGGACGTGTCGCTGTCCCGCAGGTTCCCCTCGGGGGGCCTGCAGCCCGGGGTG[T>C]CCTCCTGCCGCAGGAACTCCATGCTGGCGCGGTTGCCCCCGCCGTAGGCGGACAGCGACC-3'
Protein context (NP_742105.1, residues 760-780): RASMEFLRQE[Asp770Gly]TPGCRPPEGN

ClinVar aggregate classification (germline): Uncertain significance (1 of 4 stars; one submission).

Conditions:
Early-infantile DEE. Also called: Ohtahara syndrome; Early infantile epileptic encephalopathy with suppression bursts; Early infantile epileptic encephalopathy. Identifiers: Orphanet 1934, MedGen C0393706, MONDO:0800491.

gnomAD v4.1: 16 of 1,572,506 alleles (0.001%); highest among the groups gnomAD compares: Non-Finnish European, 0.0014%; no homozygotes.

Submission:

Labcorp Genetics (formerly Invitae), Labcorp
Classification: Uncertain significance for Early-infantile DEE. Last evaluated: 2024-02-02. Review status: criteria provided, single submitter. Criteria: Invitae Variant Classification Sherloc (09022015). Collection method: clinical testing. Allele origin: germline.
Comment: This sequence change replaces aspartic acid, which is acidic and polar, with glycine, which is neutral and non-polar, at codon 770 of the KCNQ2 protein (p.Asp770Gly). This variant is not present in population databases (gnomAD no frequency). This variant has not been reported in the literature in individuals affected with KCNQ2-related conditions. Algorithms developed to predict the effect of missense changes on protein structure and function output the following: SIFT: "Not Available"; PolyPhen-2: "Benign"; Align-GVGD: "Not Available". The glycine amino acid residue is found in multiple mammalian species, which suggests that this missense change does not adversely affect protein function. In summary, the available evidence is currently insufficient to determine the role of this variant in disease. Therefore, it has been classified as a Variant of Uncertain Significance.